The following is an entry in ClinVar:

NC_000015.9:g.(?_32976738)_(33023446_?)dup

Genes: GREM1 (gremlin 1, DAN family BMP antagonist; plus strand), SCG5 (secretogranin V; plus strand). Cytogenetic location: 15q13.3.
Variant type: Duplication.
Identifiers: ClinVar variation 2425856 (VCV002425856.3).

ClinVar aggregate classification (germline): Uncertain significance (1 of 4 stars; one submission).

Conditions:
Familial colorectal cancer. Identifiers: MedGen CN280943, MONDO:0023113. Disease mechanism: loss of function.

Submission:

Labcorp Genetics (formerly Invitae), Labcorp
Classification: Uncertain significance for Familial colorectal cancer. Last evaluated: 2022-08-25. Review status: criteria provided, single submitter. Criteria: Invitae Variant Classification Sherloc (09022015). Collection method: clinical testing. Allele origin: germline.
Comment: This variant results in a copy number gain of the genomic region encompassing the promoter of the GREM1 gene. The precise boundaries of this event are unknown. Two different tandem duplications (40 kb and 16 kb) spanning the 3' end of the SCG5 gene and the region upstream of the GREM1 gene have been reported in families with hereditary mixed polyposis syndrome (PMID: 22561515, 25992589, 26493165). However, the gain identified in this individual is different from those variants, and therefore the impact of the additional duplicated sequences on GREM1 expression and function has not been established. In summary, the available evidence is currently insufficient to determine the role of this variant in disease. Therefore, it has been classified as a Variant of Uncertain Significance.

Literature cited by the submitters: PubMed 22561515; PubMed 25992589; PubMed 26493165.